The following is an entry in ClinVar:

NM_005476.7(GNE):c.884G>C (p.Gly295Ala)

Gene: GNE (glucosamine (UDP-N-acetyl)-2-epimerase/N-acetylmannosamine kinase; minus strand). Cytogenetic location: 9p13.3.
Variant type: single nucleotide variant.
Coding change: c.884G>C on transcript NM_005476.7 (MANE Select); coding-DNA position 884, G replaced by C.
Protein change: p.Gly295Ala; replaces glycine 295 with alanine.
Molecular consequence: missense variant.
Genome position (GRCh38, 1-based): chr9:36,234,018, C>G on the plus strand (G>C on the coding strand, the complement: GNE is on the minus strand). VCF-style: chr9-36234018-C-G. GRCh37 (hg19) VCF-style: chr9-36234015-C-G.
Other names: c.977G>C, p.Gly326Ala (NM_001128227.3); c.884G>C, p.Gly295Ala (NM_001190383.3); c.554G>C, p.Gly185Ala (NM_001190384.3); c.707G>C, p.Gly236Ala (NM_001190388.2, NM_001374798.1); c.731G>C, p.Gly244Ala (NM_001374797.1); short protein forms G236A, G295A, G244A, G326A, G185A.
Identifiers: ClinVar variation 2946691 (VCV002946691.4), dbSNP rs2489716433, ClinGen allele CA373430658.
Genomic context (GRCh38, chr9:36,234,018, plus strand): 5'-ACAGGTGTTCCAAAAGCTCCAACTTCTCGAACCCCACAGCTGCTGTTCCCAATCATACAG[C>G]CAGCATGGGCAACCAACTGTATAAACTGGTCAAATGGGACGTGTTTAACTGCACGAAAGT-3'
Protein context (NP_005467.1, residues 285-305): DQFIQLVAHA[Gly295Ala]CMIGNSSCGV

ClinVar aggregate classification (germline): Uncertain significance. Review status: criteria provided, multiple submitters, no conflicts (2 of 4 stars). 2 submissions from 2 submitters: Uncertain significance (2). Last evaluated 2024-05-01.

Conditions:
GNE myopathy (NM). Also called: NONAKA DISTAL MYOPATHY; INCLUSION BODY MYOPATHY, HEREDITARY, AUTOSOMAL RECESSIVE; INCLUSION BODY MYOPATHY 2, AUTOSOMAL RECESSIVE; MYOPATHY, DISTAL, WITH OR WITHOUT RIMMED VACUOLES; IBM 2; Inclusion body myopathy autosomal recessive. Identifiers: Orphanet 602, MedGen C1853926, MONDO:0011603, OMIM 605820.
Sialuria. Also called: SIALURIA, FRENCH TYPE; Sialic Acid Storage Disease. Identifiers: Orphanet 3166, MedGen C0342853, MONDO:0010028, OMIM 269921.

gnomAD v4.1: 1 of 1,614,168 alleles (0.000062%); no homozygotes.

Submissions (2):

Women's Health and Genetics/Laboratory Corporation of America, LabCorp
Classification: Uncertain significance. Last evaluated: 2024-05-01. Review status: criteria provided, single submitter. Criteria: LabCorp Variant Classification Summary - May 2015. Collection method: clinical testing. Allele origin: germline.
Comment: Variant summary: GNE c.977G>C (p.Gly326Ala) results in a non-conservative amino acid change located in the UDP-N-acetylglucosamine 2-epimerase domain (IPR003331) of the encoded protein sequence. Three of five in-silico tools predict a damaging effect of the variant on protein function. The variant was absent in 251484 control chromosomes. The available data on variant occurrences in the general population are insufficient to allow any conclusion about variant significance. To our knowledge, no occurrence of c.977G>C in individuals affected with Inclusion Body Myopathy 2 and no experimental evidence demonstrating its impact on protein function have been reported. No submitters have cited clinical-significance assessments for this variant to ClinVar. Based on the evidence outlined above, the variant was classified as uncertain significance.

Labcorp Genetics (formerly Invitae), Labcorp
Classification: Uncertain significance for Sialuria; GNE myopathy. Last evaluated: 2023-05-12. Review status: criteria provided, single submitter. Criteria: Invitae Variant Classification Sherloc (09022015). Collection method: clinical testing. Allele origin: germline.
Comment: This sequence change replaces glycine, which is neutral and non-polar, with alanine, which is neutral and non-polar, at codon 326 of the GNE protein (p.Gly326Ala). In summary, the available evidence is currently insufficient to determine the role of this variant in disease. Therefore, it has been classified as a Variant of Uncertain Significance. This variant disrupts the p.Gly326 amino acid residue in GNE. Other variant(s) that disrupt this residue have been determined to be pathogenic (PMID: 22507750, 24027297). This suggests that this residue is clinically significant, and that variants that disrupt this residue are likely to be disease-causing. Advanced modeling of protein sequence and biophysical properties (such as structural, functional, and spatial information, amino acid conservation, physicochemical variation, residue mobility, and thermodynamic stability) has been performed at Invitae for this missense variant, however the output from this modeling did not meet the statistical confidence thresholds required to predict the impact of this variant on GNE protein function. This variant has not been reported in the literature in individuals affected with GNE-related conditions. This variant is not present in population databases (gnomAD no frequency).

Literature cited by the submitters: PubMed 22507750 (cited by Labcorp Genetics (formerly Invitae), Labcorp); PubMed 24027297 (cited by Labcorp Genetics (formerly Invitae), Labcorp).